The following is an entry in ClinVar:

ClinVar aggregate classification (germline): Uncertain significance. Review status: criteria provided, multiple submitters, no conflicts (2 of 4 stars). 2 submissions from 2 submitters: Uncertain significance (2). Last evaluated 2024-10-11.

Conditions:
NEK1-related disorder. Also called: NEK1-related condition.
Short-rib thoracic dysplasia 6 with or without polydactyly (SRTD6). Also called: SHORT-RIB THORACIC DYSPLASIA 6 WITH POLYDACTYLY; SHORT-RIB THORACIC DYSPLASIA 6 WITHOUT POLYDACTYLY; SHORT RIB-POLYDACTYLY SYNDROME, TYPE IIA; Majewski Syndrome; POLYDACTYLY WITH NEONATAL CHONDRODYSTROPHY, TYPE II. Identifiers: MedGen C0024507, MONDO:0009894, OMIM 263520.

gnomAD v4.1: 4 of 1,612,816 alleles (0.00025%); highest among the groups gnomAD compares: Admixed American, 0.0033%; no homozygotes.

Submissions (2):

PreventionGenetics, part of Exact Sciences
Classification: Uncertain significance for NEK1-related condition. Last evaluated: 2024-10-11. Review status: criteria provided, single submitter. Criteria: ACMG Guidelines, 2015. Collection method: clinical testing. Allele origin: germline.
Comment: The NEK1 c.1634T>G variant is predicted to result in the amino acid substitution p.Met545Arg. To our knowledge, this variant has not been reported in the literature; however, an alternate variant at the same codon (p.Met545Thr) has been reported in at least two individuals with amyotrophic lateral sclerosis (ALS, Table 2, Müller et al. 2018. PubMed ID: 29650794; Table S1, Hu et al. 2023. PubMed ID: 37952009 ). This variant is reported in 0.0029% of alleles in individuals of Latino descent in gnomAD. At this time, the clinical significance of the p.Met545Arg variant is uncertain due to the absence of conclusive functional and genetic evidence.

Labcorp Genetics (formerly Invitae), Labcorp
Classification: Uncertain significance for Short-rib thoracic dysplasia 6 with or without polydactyly. Last evaluated: 2024-08-22. Review status: criteria provided, single submitter. Criteria: Invitae Variant Classification Sherloc (09022015). Collection method: clinical testing. Allele origin: germline.
Comment: This sequence change replaces methionine, which is neutral and non-polar, with arginine, which is basic and polar, at codon 545 of the NEK1 protein (p.Met545Arg). This variant is present in population databases (no rsID available, gnomAD 0.003%). This variant has not been reported in the literature in individuals affected with NEK1-related conditions. ClinVar contains an entry for this variant (Variation ID: 2041578). Invitae Evidence Modeling of protein sequence and biophysical properties (such as structural, functional, and spatial information, amino acid conservation, physicochemical variation, residue mobility, and thermodynamic stability) indicates that this missense variant is not expected to disrupt NEK1 protein function with a negative predictive value of 80%. In summary, the available evidence is currently insufficient to determine the role of this variant in disease. Therefore, it has been classified as a Variant of Uncertain Significance.

NM_001199397.3(NEK1):c.1634T>G (p.Met545Arg)

Gene: NEK1 (NIMA related kinase 1; minus strand). Cytogenetic location: 4q33.
Variant type: single nucleotide variant.
Coding change: c.1634T>G on transcript NM_001199397.3 (MANE Select); coding-DNA position 1634, T replaced by G.
Protein change: p.Met545Arg; replaces methionine 545 with arginine.
Molecular consequence: missense variant. On other transcripts: non-coding transcript variant (1).
Genome position (GRCh38, 1-based): chr4:169,537,840, A>C on the plus strand (T>G on the coding strand, the complement: NEK1 is on the minus strand). VCF-style: chr4-169537840-A-C. GRCh37 (hg19) VCF-style: chr4-170458991-A-C.
Other names: c.1502T>G, p.Met501Arg (NM_001199398.3, NM_001199400.3); c.1427T>G, p.Met476Arg (NM_001199399.3); c.1634T>G, p.Met545Arg (NM_001374418.1, NM_001374419.1, NM_012224.4); c.1583T>G, p.Met528Arg (NM_001374420.1); c.1508T>G, p.Met503Arg (NM_001374421.1); c.1634T>G (NM_012224.2); short protein forms M503R, M545R, M476R, M528R, M501R.
Identifiers: ClinVar variation 2041578 (VCV002041578.5), dbSNP rs760674667, ClinGen allele CA358732430.